The following is an entry in ClinVar:

NM_001042492.3(NF1):c.232A>G (p.Asn78Asp)

Gene: NF1 (neurofibromin 1; plus strand). Cytogenetic location: 17q11.2.
Variant type: single nucleotide variant.
Coding change: c.232A>G on transcript NM_001042492.3 (MANE Select); coding-DNA position 232, A replaced by G.
Protein change: p.Asn78Asp; replaces asparagine 78 with aspartic acid.
Molecular consequence: missense variant.
Genome position (GRCh38, 1-based): chr17:31,159,037, A>G. VCF-style: chr17-31159037-A-G. GRCh37 (hg19) VCF-style: chr17-29486055-A-G.
Other names: c.232A>G, p.Asn78Asp (NM_001128147.3, NM_000267.4); short protein forms N78D.
Identifiers: ClinVar variation 4700129 (VCV004700129.1).

ClinVar aggregate classification (germline): Uncertain significance (1 of 4 stars; one submission).

Conditions:
Neurofibromatosis, type 1 (NF1). Also called: VON RECKLINGHAUSEN DISEASE; Peripheral type neurofibromatosis; NEUROFIBROMATOSIS, TYPE I, SOMATIC; Neurofibromatosis, type I. Identifiers: Orphanet 636, MedGen C0027831, MONDO:0018975, OMIM 162200. Disease mechanism: loss of function.

Submission:

Labcorp Genetics (formerly Invitae), Labcorp
Classification: Uncertain significance for Neurofibromatosis, type 1. Last evaluated: 2025-05-25. Review status: criteria provided, single submitter. Criteria: Invitae Variant Classification Sherloc (09022015). Collection method: clinical testing. Allele origin: germline.
Comment: This sequence change replaces asparagine, which is neutral and polar, with aspartic acid, which is acidic and polar, at codon 78 of the NF1 protein (p.Asn78Asp). This variant is not present in population databases (gnomAD no frequency). This variant has not been reported in the literature in individuals affected with NF1-related conditions. Invitae Evidence Modeling of protein sequence and biophysical properties (such as structural, functional, and spatial information, amino acid conservation, physicochemical variation, residue mobility, and thermodynamic stability) has been performed for this missense variant. However, the output from this modeling did not meet the statistical confidence thresholds required to predict the impact of this variant on NF1 protein function. In summary, the available evidence is currently insufficient to determine the role of this variant in disease. Therefore, it has been classified as a Variant of Uncertain Significance.